The following is an entry in ClinVar:

ClinVar aggregate classification (germline): Pathogenic/Likely pathogenic. Review status: criteria provided, multiple submitters, no conflicts (2 of 4 stars). 8 submissions from 8 submitters: Pathogenic (7); Likely pathogenic (1). Last evaluated 2026-08-14.

Conditions:
NPC1-related disorder. Also called: NPC1-related condition.
Niemann-Pick disease, type C (NPC). Identifiers: Orphanet 646, MedGen C0220756, MONDO:0018982.
Niemann-Pick disease, type C1. Also called: NEUROVISCERAL STORAGE DISEASE WITH VERTICAL SUPRANUCLEAR OPHTHALMOPLEGIA; NIEMANN-PICK DISEASE WITH CHOLESTEROL ESTERIFICATION BLOCK; NIEMANN-PICK DISEASE WITHOUT SPHINGOMYELINASE DEFICIENCY; NIEMANN-PICK DISEASE, CHRONIC NEURONOPATHIC FORM; NIEMANN-PICK DISEASE, VARIANT TYPE C1. Identifiers: Orphanet 646, MedGen C3179455, MONDO:0009757, OMIM 257220.

Allele frequency attached by ClinVar (database versions not stated): gnomAD 0.00001; gnomAD exomes 0.00002; TOPMed 0.00003; ExAC 0.00004; ESP Exome Variant Server 0.00008.
gnomAD v4.1: 32 of 1,613,258 alleles (0.002%); highest among the groups gnomAD compares: East Asian, 0.0045%; no homozygotes.

Submissions (8):

PreventionGenetics, part of Exact Sciences
Classification: Pathogenic for NPC1-related condition. Last evaluated: 2026-08-14. Review status: criteria provided, single submitter. Criteria: ACMG Guidelines, 2015. Collection method: clinical testing. Allele origin: germline.
Comment: The NPC1 c.2819C>T variant is predicted to result in the amino acid substitution p.Ser940Leu. This variant has been reported along with another NPC1 variant or in the homozygous state in individuals with Niemann-Pick disease (Romanello et al. 2016. PubMed ID: 26790753; Bowman et al. 2017. PubMed ID: 28710748; Mavridou et al. 2017. PubMed ID: 28105569; Dardis et al. 2020. PubMed ID: 32138288). This variant is reported in 0.0063% of alleles in individuals of African descent in gnomAD and is interpreted as likely pathogenic/pathogenic by multiple laboratories in ClinVar. This variant is interpreted as pathogenic.

Natera, Inc.
Classification: Pathogenic for Niemann-Pick disease type C1. Last evaluated: 2025-10-13. Review status: criteria provided, single submitter. Criteria: Natera Variant Classification Schema (03/2026). Collection method: clinical testing. Allele origin: germline.
Comment: The c.2819C>T variant in NPC1 is a missense variant predicted to cause substitution of serine to leucine at amino acid 940. This variant is rare in the general population with a frequency below the threshold expected for the associated phenotype(s). This variant has been observed in one or more individuals affected with the associated recessive disease, as either homozygous or compound heterozygous with a second variant (PMID: 26981555). Given the available evidence, this variant is classified as Pathogenic.

Labcorp Genetics (formerly Invitae), Labcorp
Classification: Pathogenic for Niemann-Pick disease, type C1. Last evaluated: 2025-10-09. Review status: criteria provided, single submitter. Criteria: Invitae Variant Classification Sherloc (09022015). Collection method: clinical testing. Allele origin: germline.
Comment: This sequence change replaces serine, which is neutral and polar, with leucine, which is neutral and non-polar, at codon 940 of the NPC1 protein (p.Ser940Leu). This variant is present in population databases (rs143124972, gnomAD 0.003%). This missense change has been observed in individual(s) with Niemann-Pick disease type C (PMID: 26790753, 28105569, 28710748, 32138288). ClinVar contains an entry for this variant (Variation ID: 188716). Invitae Evidence Modeling of protein sequence and biophysical properties (such as structural, functional, and spatial information, amino acid conservation, physicochemical variation, residue mobility, and thermodynamic stability) indicates that this missense variant is expected to disrupt NPC1 protein function with a positive predictive value of 95%. For these reasons, this variant has been classified as Pathogenic.

Women's Health and Genetics/Laboratory Corporation of America, LabCorp
Classification: Pathogenic for Niemann-Pick disease, type C. Last evaluated: 2025-03-05. Review status: criteria provided, single submitter. Criteria: LabCorp Variant Classification Summary - May 2015. Collection method: clinical testing. Allele origin: germline.
Comment: Variant summary: NPC1 c.2819C>T (p.Ser940Leu) results in a non-conservative amino acid change in the encoded protein sequence. Five of five in-silico tools predict a damaging effect of the variant on protein function. The variant allele was found at a frequency of 1.6e-05 in 250088 control chromosomes. c.2819C>T has been reported in the literature in the homozygous and compound heterozygous state in multiple individuals affected with Niemann-Pick Disease Type C (Abela_2014, Garver_2010, Runert_2016). These data indicate that the variant is very likely to be associated with disease. The following publications have been ascertained in the context of this evaluation (PMID: 19744920, 26981555, 25425405). ClinVar contains an entry for this variant (Variation ID: 188716). Based on the evidence outlined above, the variant was classified as pathogenic.

Mayo Clinic Laboratories, Mayo Clinic
Classification: Likely pathogenic. Last evaluated: 2022-05-03. Review status: criteria provided, single submitter. Criteria: ACMG Guidelines, 2015. Collection method: clinical testing. Allele origin: germline. Observed: 1 variant allele.
Comment: PP1, PP3, PM2, PM3_very_strong

Myriad Genetics, Inc.
Classification: Pathogenic for Niemann-Pick disease, type C1. Last evaluated: 2021-11-11. Review status: criteria provided, single submitter. Criteria: Myriad Women's Health Autosomal Recessive and X-Linked Classification Criteria (2021). Collection method: clinical testing. Allele origin: unknown.
Comment: NM_000271.4(NPC1):c.2819C>T(S940L) is a missense variant classified as pathogenic in the context of Niemann-Pick disease type C1. S940L has been observed in cases with relevant disease (PMID: 26981555, 11349231, 25425405, 21245028, 16126423, 23146215, 16720792, 30285904, 26790753). Functional assessments of this variant are not available in the literature. S940L has been observed in population frequency databases (gnomAD: AFR 0.01%). In summary, NM_000271.4(NPC1):c.2819C>T(S940L) is a missense variant that has been observed more frequently in cases with the relevant disease than in healthy populations. Please note: this variant was assessed in the context of healthy population screening.

Centre for Mendelian Genomics, University Medical Centre Ljubljana
Classification: Pathogenic for Niemann-Pick disease, type C1. Last evaluated: 2019-10-22. Review status: criteria provided, single submitter. Criteria: ACMG Guidelines, 2015. Collection method: clinical testing. Allele origin: unknown. Affected: yes.
Comment: This variant was classified as: Pathogenic. The following ACMG criteria were applied in classifying this variant: PM2,PM3,PP3,PP5.

Eurofins Ntd Llc (ga)
Classification: Pathogenic. Last evaluated: 2017-08-18. Review status: criteria provided, single submitter. Criteria: EGL Classification Definitions 2015. Collection method: clinical testing. Allele origin: germline. Observed: 1 variant allele, 1 homozygote.

Literature cited by the submitters: PubMed 26981555 (cited by 3 submitters); PubMed 26790753 (cited by 3 submitters); PubMed 28105569 (cited by Labcorp Genetics (formerly Invitae), Labcorp and Mayo Clinic Laboratories, Mayo Clinic); PubMed 28710748 (cited by Labcorp Genetics (formerly Invitae), Labcorp and Mayo Clinic Laboratories, Mayo Clinic); PubMed 32138288 (cited by Labcorp Genetics (formerly Invitae), Labcorp and Mayo Clinic Laboratories, Mayo Clinic); PubMed 19744920 (cited by Women's Health and Genetics/Laboratory Corporation of America, LabCorp); PubMed 25425405 (cited by 3 submitters); PubMed 10521290 (cited by Mayo Clinic Laboratories, Mayo Clinic and Eurofins Ntd Llc (ga)); PubMed 11349231 (cited by Mayo Clinic Laboratories, Mayo Clinic and Myriad Genetics, Inc.); PubMed 16126423 (cited by Mayo Clinic Laboratories, Mayo Clinic and Myriad Genetics, Inc.); PubMed 16720792 (cited by Mayo Clinic Laboratories, Mayo Clinic and Myriad Genetics, Inc.); PubMed 21245028 (cited by Mayo Clinic Laboratories, Mayo Clinic and Myriad Genetics, Inc.); PubMed 23146215 (cited by 3 submitters); PubMed 26666848 (cited by Mayo Clinic Laboratories, Mayo Clinic); PubMed 30285904 (cited by Mayo Clinic Laboratories, Mayo Clinic and Myriad Genetics, Inc.); PubMed 32732226 (cited by Mayo Clinic Laboratories, Mayo Clinic); PubMed 34712575 (cited by Mayo Clinic Laboratories, Mayo Clinic).

NM_000271.5(NPC1):c.2819C>T (p.Ser940Leu)

Gene: NPC1 (NPC intracellular cholesterol transporter 1; minus strand). Cytogenetic location: 18q11.2.
Variant type: single nucleotide variant.
Coding change: c.2819C>T on transcript NM_000271.5 (MANE Select); coding-DNA position 2819, C replaced by T.
Protein change: p.Ser940Leu; replaces serine 940 with leucine.
Molecular consequence: missense variant.
Genome position (GRCh38, 1-based): chr18:23,539,447, G>A on the plus strand (C>T on the coding strand, the complement: NPC1 is on the minus strand). VCF-style: chr18-23539447-G-A. GRCh37 (hg19) VCF-style: chr18-21119411-G-A.
Other names: short protein forms S940L.
Identifiers: ClinVar variation 188716 (VCV000188716.25), dbSNP rs143124972, ClinGen allele CA273881.